The following is an entry in ClinVar:

NM_152383.5(DIS3L2):c.11C>G (p.Pro4Arg)

Gene: DIS3L2 (DIS3 like 3'-5' exoribonuclease 2; plus strand). Cytogenetic location: 2q37.1.
Variant type: single nucleotide variant.
Coding change: c.11C>G on transcript NM_152383.5 (MANE Select); coding-DNA position 11, C replaced by G.
Protein change: p.Pro4Arg; replaces proline 4 with arginine.
Molecular consequence: missense variant. On other transcripts: non-coding transcript variant (2).
Genome position (GRCh38, 1-based): chr2:232,014,938, C>G. VCF-style: chr2-232014938-C-G. GRCh37 (hg19) VCF-style: chr2-232879648-C-G.
Other names: c.11C>G, p.Pro4Arg (NM_001257281.2, NM_001257282.2); short protein forms P4R.
Identifiers: ClinVar variation 1047561 (VCV001047561.8), dbSNP rs1694312197, ClinGen allele CA351151039.

ClinVar aggregate classification (germline): Uncertain significance (1 of 4 stars; one submission).

Conditions:
Perlman syndrome (PRLMNS). Identifiers: Orphanet 2849, MedGen C0796113, MONDO:0009965, OMIM 267000.

Submission:

Labcorp Genetics (formerly Invitae), Labcorp
Classification: Uncertain significance for Perlman syndrome. Last evaluated: 2022-05-05. Review status: criteria provided, single submitter. Criteria: Invitae Variant Classification Sherloc (09022015). Collection method: clinical testing. Allele origin: germline.
Comment: Algorithms developed to predict the effect of missense changes on protein structure and function (SIFT, PolyPhen-2, Align-GVGD) all suggest that this variant is likely to be tolerated. ClinVar contains an entry for this variant (Variation ID: 1047561). This variant has not been reported in the literature in individuals affected with DIS3L2-related conditions. This variant is not present in population databases (gnomAD no frequency). This sequence change replaces proline, which is neutral and non-polar, with arginine, which is basic and polar, at codon 4 of the DIS3L2 protein (p.Pro4Arg). Algorithms developed to predict the effect of sequence changes on RNA splicing suggest that this variant may create or strengthen a splice site. In summary, the available evidence is currently insufficient to determine the role of this variant in disease. Therefore, it has been classified as a Variant of Uncertain Significance.